The following is an entry in ClinVar:

NM_006186.4(NR4A2):c.*331T>G

Gene: NR4A2 (nuclear receptor subfamily 4 group A member 2; minus strand). Cytogenetic location: 2q24.1.
Variant type: single nucleotide variant.
Coding change: c.*331T>G on transcript NM_006186.4 (MANE Select); 331 bases downstream of the stop codon, T replaced by G.
Molecular consequence: 3 prime UTR variant.
Genome position (GRCh38, 1-based): chr2:156,325,413, A>C on the plus strand (T>G on the coding strand, the complement: NR4A2 is on the minus strand). VCF-style: chr2-156325413-A-C. GRCh37 (hg19) VCF-style: chr2-157181925-A-C.
Other names: c.*331T>G (NM_173173.3).
Identifiers: ClinVar variation 331655 (VCV000331655.6), dbSNP rs12803, ClinGen allele CA10611444.
Genomic context (GRCh38, chr2:156,325,413, plus strand): 5'-TGTGTGTTACATTTGTCTGAACTGCAACAACCAAGCATGGCCAAACATTTCCCATTATAC[A>C]TTATAGCAATCTTTCTTCTGAACAACAAACTGATTTTTAAACTGAGAATAAAAAGTTTAT-3'

ClinVar aggregate classification (germline): Benign. Review status: criteria provided, multiple submitters, no conflicts (2 of 4 stars). 2 submissions from 2 submitters: Benign (2). Last evaluated 2018-01-12.

Conditions:
Parkinson disease, late-onset (PD). Also called: PARKINSON DISEASE, LATE-ONSET, SUSCEPTIBILITY TO; Susceptibility to Parkinson's Disease; Hereditary late onset Parkinson disease. Identifiers: Orphanet 411602, MedGen C3160718, MONDO:0008199, OMIM 168600.

Allele frequency attached by ClinVar (database versions not stated): 1000 Genomes Project 30x 0.28232; 1000 Genomes Project 0.28634; TOPMed 0.35826; gnomAD 0.39211 and 0.39249; gnomAD exomes 0.47769.
gnomAD v4.1: 160,689 of 363,146 alleles (44%); highest among the groups gnomAD compares: Non-Finnish European, 54%; 39,694 homozygotes.

Submissions (2):

Illumina Laboratory Services, Illumina
Classification: Benign for Parkinson disease, late-onset. Last evaluated: 2018-01-12. Review status: criteria provided, single submitter. Criteria: ICSL Variant Classification Criteria 13 December 2019. Collection method: clinical testing. Allele origin: germline.
Comment: This variant was observed in the ICSL laboratory as part of a predisposition screen in an ostensibly healthy population. It had not been previously curated by ICSL or reported in the Human Gene Mutation Database (HGMD: prior to June 1st, 2018), and was therefore a candidate for classification through an automated scoring system. Utilizing variant allele frequency, disease prevalence and penetrance estimates, and inheritance mode, an automated score was calculated to assess if this variant is too frequent to cause the disease. Based on the score and internal cut-off values, a variant classified as benign is not then subjected to further curation. The score for this variant resulted in a classification of benign for this disease.

Breakthrough Genomics
Classification: Benign. Review status: criteria provided, single submitter. Criteria: ACMG Guidelines, 2015. Collection method: not provided. Allele origin: germline. Inheritance: Autosomal dominant inheritance. Affected: yes.